The following is an entry in ClinVar:

ClinVar aggregate classification (germline): Uncertain significance. Review status: criteria provided, multiple submitters, no conflicts (2 of 4 stars). 2 submissions from 2 submitters: Uncertain significance (2). Last evaluated 2025-10-29.

Conditions:
Hereditary cancer-predisposing syndrome. Also called: Hereditary Cancer Syndrome; Hereditary neoplastic syndrome; Neoplastic Syndromes, Hereditary; Tumor predisposition. Identifiers: Orphanet 140162, MedGen C0027672, MeSH D009386, MONDO:0015356.
Oligodontia-cancer predisposition syndrome. Also called: TOOTH AGENESIS-COLORECTAL CANCER SYNDROME. Identifiers: Orphanet 300576, MedGen C1837750, MONDO:0012075, OMIM 608615. Disease mechanism: loss of function.

gnomAD v4.1: 1 of 1,575,604 alleles (0.000063%); highest among the groups gnomAD compares: Non-Finnish European, 0.000086%; no homozygotes.

Submissions (2):

Labcorp Genetics (formerly Invitae), Labcorp
Classification: Uncertain significance for Oligodontia-cancer predisposition syndrome. Last evaluated: 2025-10-29. Review status: criteria provided, single submitter. Criteria: Invitae Variant Classification Sherloc (09022015). Collection method: clinical testing. Allele origin: germline.
Comment: This sequence change replaces arginine, which is basic and polar, with leucine, which is neutral and non-polar, at codon 463 of the AXIN2 protein (p.Arg463Leu). This variant is not present in population databases (gnomAD no frequency). This variant has not been reported in the literature in individuals affected with AXIN2-related conditions. ClinVar contains an entry for this variant (Variation ID: 1771459). Invitae Evidence Modeling of protein sequence and biophysical properties (such as structural, functional, and spatial information, amino acid conservation, physicochemical variation, residue mobility, and thermodynamic stability) has been performed for this missense variant. However, the output from this modeling did not meet the statistical confidence thresholds required to predict the impact of this variant on AXIN2 protein function. In summary, the available evidence is currently insufficient to determine the role of this variant in disease. Therefore, it has been classified as a Variant of Uncertain Significance.

Ambry Genetics
Classification: Uncertain significance for Hereditary cancer-predisposing syndrome. Last evaluated: 2021-05-04. Review status: criteria provided, single submitter. Criteria: Ambry Variant Classification Scheme 2023. Collection method: clinical testing. Allele origin: germline.
Comment: The p.R463L variant (also known as c.1388G>T), located in coding exon 5 of the AXIN2 gene, results from a G to T substitution at nucleotide position 1388. The arginine at codon 463 is replaced by leucine, an amino acid with dissimilar properties. This amino acid position is well conserved in available vertebrate species. In addition, the in silico prediction for this alteration is inconclusive. Since supporting evidence is limited at this time, the clinical significance of this alteration remains unclear.

NM_004655.4(AXIN2):c.1388G>T (p.Arg463Leu)

Gene: AXIN2 (axin 2; minus strand). Cytogenetic location: 17q24.1.
Variant type: single nucleotide variant.
Coding change: c.1388G>T on transcript NM_004655.4 (MANE Select); coding-DNA position 1388, G replaced by T.
Protein change: p.Arg463Leu; replaces arginine 463 with leucine.
Molecular consequence: missense variant.
Genome position (GRCh38, 1-based): chr17:65,537,648, C>A on the plus strand (G>T on the coding strand, the complement: AXIN2 is on the minus strand). VCF-style: chr17-65537648-C-A. GRCh37 (hg19) VCF-style: chr17-63533766-C-A.
Other names: c.1388G>T, p.Arg463Leu (NM_001363813.1); short protein forms R463L.
Identifiers: ClinVar variation 1771459 (VCV001771459.5), dbSNP rs1060502150, ClinGen allele CA400677600.